The following is an entry in ClinVar:

NM_000540.3(RYR1):c.3062T>C (p.Val1021Ala)

Gene: RYR1 (ryanodine receptor 1; plus strand). Cytogenetic location: 19q13.2.
Variant type: single nucleotide variant.
Coding change: c.3062T>C on transcript NM_000540.3 (MANE Select); coding-DNA position 3062, T replaced by C.
Protein change: p.Val1021Ala; replaces valine 1021 with alanine.
Molecular consequence: missense variant.
Genome position (GRCh38, 1-based): chr19:38,466,282, T>C. VCF-style: chr19-38466282-T-C. GRCh37 (hg19) VCF-style: chr19-38956922-T-C.
Other names: c.3062T>C, p.Val1021Ala (NM_001042723.2); short protein forms V1021A.
Identifiers: ClinVar variation 3073729 (VCV003073729.1), dbSNP rs1600711198, ClinGen allele CA405635317.

ClinVar aggregate classification (germline): Uncertain significance (1 of 4 stars; one submission).

Conditions:
Malignant hyperthermia, susceptibility to, 1 (MHS1). Also called: Anesthesia related hyperthermia; Malignant hyperpyrexia; Fulminating hyperpyrexia; Pharmacogenic myopathy; RYR1-Related Malignant Hyperthermia Susceptibility; Malignant hyperthermia suceptibility 1. Identifiers: Orphanet 423, MedGen C2930980, MONDO:0007783, OMIM 145600.

Submission:

All of Us Research Program, National Institutes of Health
Classification: Uncertain significance for Malignant hyperthermia, susceptibility to, 1. Last evaluated: 2023-10-06. Review status: criteria provided, single submitter. Criteria: ACMG Guidelines, 2015. Collection method: clinical testing. Allele origin: germline. Inheritance: Autosomal dominant inheritance. Observed: 1 variant allele, 1 heterozygote.
Comment: This missense variant replaces valine with alanine at codon 1021 of the RYR1 protein. Computational prediction suggests that this variant may have deleterious impact on protein structure and function (internally defined REVEL score threshold >= 0.7, PMID: 27666373). To our knowledge, functional studies have not been reported for this variant. This variant has not been reported in individuals affected with RYR1-related disorders in the literature. This variant has not been identified in the general population by the Genome Aggregation Database (gnomAD). The available evidence is insufficient to determine the role of this variant in disease conclusively. Therefore, this variant is classified as a Variant of Uncertain Significance.

This study involves interpretation of variants in research participants for the purpose of population health screening. Participant phenotype was not available at the time of variant classification. Additional details can be found in publication PMID: 35346344, PMCID: PMC8962531